The following is an entry in ClinVar:

NM_003315.4(DNAJC7):c.405+5G>C

Gene: DNAJC7 (DnaJ heat shock protein family (Hsp40) member C7; minus strand). Cytogenetic location: 17q21.2.
Variant type: single nucleotide variant.
Coding change: c.405+5G>C on transcript NM_003315.4 (MANE Select); 5 bases into the intron after coding-DNA position 405, G replaced by C.
Molecular consequence: intron variant.
Genome position (GRCh38, 1-based): chr17:41,996,306, C>G on the plus strand (G>C on the coding strand, the complement: DNAJC7 is on the minus strand). VCF-style: chr17-41996306-C-G. GRCh37 (hg19) VCF-style: chr17-40148324-C-G.
Other names: c.237+5G>C (NM_001144766.3).
Identifiers: ClinVar variation 4983703 (VCV004983703.1).
Genomic context (GRCh38, chr17:41,996,306, plus strand): 5'-AAGTAGCCACTCCTCCCAAATATACCATACTGCCTCTTTTGACAGAAACAGGATCAGACC[C>G]GTACCTCTTGTTGTGCCTGAGCATTTTTATGATCCAGTTCTAGGGCTCTCTGGAAGCTGC-3'

ClinVar aggregate classification (germline): Likely benign (1 of 4 stars; one submission).

Conditions:
DNAJC7-related condition.

gnomAD v4.1: 30 of 1,613,082 alleles (0.0019%); highest among the groups gnomAD compares: South Asian, 0.031%; no homozygotes.

Submission:

PreventionGenetics, part of Exact Sciences
Classification: Likely benign for DNAJC7-related condition. Last evaluated: 2026-05-26. Review status: criteria provided, single submitter. Criteria: ACMG Guidelines, 2015. Collection method: clinical testing. Allele origin: germline.
Comment: This variant is classified as likely benign based on ACMG/AMP sequence variant interpretation guidelines (Richards et al. 2015 PMID: 25741868, with internal and published modifications).